The following is an entry in ClinVar:

NM_005188.4(CBL):c.686A>G (p.Asp229Gly)

Gene: CBL (Cbl proto-oncogene; plus strand). Cytogenetic location: 11q23.3.
Variant type: single nucleotide variant.
Coding change: c.686A>G on transcript NM_005188.4 (MANE Select); coding-DNA position 686, A replaced by G.
Protein change: p.Asp229Gly; replaces aspartic acid 229 with glycine.
Molecular consequence: missense variant.
Genome position (GRCh38, 1-based): chr11:119,273,963, A>G. VCF-style: chr11-119273963-A-G. GRCh37 (hg19) VCF-style: chr11-119144673-A-G.
Other names: c.686A>G (NM_005188.2); short protein forms D229G.
Identifiers: ClinVar variation 2128774 (VCV002128774.5), dbSNP rs1414848678, ClinGen allele CA382909511.

ClinVar aggregate classification (germline): Uncertain significance. Review status: criteria provided, multiple submitters, no conflicts (2 of 4 stars). 2 submissions from 2 submitters: Uncertain significance (2). Last evaluated 2026-07-09.

Conditions:
RASopathy. Also called: Noonan spectrum disorder; rasopathies. Identifiers: Orphanet 536391, MedGen C5555857, MONDO:0021060.
Cardiovascular phenotype. Identifiers: MedGen CN230736.

Allele frequency attached by ClinVar (database versions not stated): gnomAD exomes below 0.00001.

Submissions (2):

Ambry Genetics
Classification: Uncertain significance for Cardiovascular phenotype. Last evaluated: 2026-07-09. Review status: criteria provided, single submitter. Criteria: Ambry Variant Classification Scheme 2023. Collection method: clinical testing. Allele origin: germline.
Comment: The p.D229G variant (also known as c.686A>G), located in coding exon 4 of the CBL gene, results from an A to G substitution at nucleotide position 686. The aspartic acid at codon 229 is replaced by glycine, an amino acid with similar properties. This amino acid position is conserved. In addition, this alteration is predicted to be deleterious by in silico analysis. Based on the available evidence, the clinical significance of this variant remains unclear.

Labcorp Genetics (formerly Invitae), Labcorp
Classification: Uncertain significance for RASopathy. Last evaluated: 2022-10-18. Review status: criteria provided, single submitter. Criteria: Invitae Variant Classification Sherloc (09022015). Collection method: clinical testing. Allele origin: germline.
Comment: In summary, the available evidence is currently insufficient to determine the role of this variant in disease. Therefore, it has been classified as a Variant of Uncertain Significance. Advanced modeling of protein sequence and biophysical properties (such as structural, functional, and spatial information, amino acid conservation, physicochemical variation, residue mobility, and thermodynamic stability) performed at Invitae indicates that this missense variant is expected to disrupt CBL protein function. This variant has not been reported in the literature in individuals affected with CBL-related conditions. This variant is not present in population databases (gnomAD no frequency). This sequence change replaces aspartic acid, which is acidic and polar, with glycine, which is neutral and non-polar, at codon 229 of the CBL protein (p.Asp229Gly).